The following is an entry in ClinVar:

NM_138459.5(NUS1):c.844C>G (p.Arg282Gly)

Gene: NUS1 (NUS1 dehydrodolichyl diphosphate synthase subunit; plus strand). Cytogenetic location: 6q22.1.
Variant type: single nucleotide variant.
Coding change: c.844C>G on transcript NM_138459.5 (MANE Select); coding-DNA position 844, C replaced by G.
Protein change: p.Arg282Gly; replaces arginine 282 with glycine.
Molecular consequence: missense variant.
Genome position (GRCh38, 1-based): chr6:117,706,977, C>G. VCF-style: chr6-117706977-C-G. GRCh37 (hg19) VCF-style: chr6-118028140-C-G.
Other names: short protein forms R282G.
Identifiers: ClinVar variation 2909911 (VCV002909911.3), dbSNP rs150953098, ClinGen allele CA365537605.

ClinVar aggregate classification (germline): Uncertain significance (1 of 4 stars; one submission).

Conditions:
Congenital disorder of glycosylation, type Iaa. Also called: Congenital disorder of glycosylation, type 1aa. Identifiers: MedGen C4310727, MONDO:0014904, OMIM 617082.

gnomAD v4.1: 3 of 1,612,836 alleles (0.00019%); highest among the groups gnomAD compares: Middle Eastern, 0.033%; no homozygotes.

Submission:

Labcorp Genetics (formerly Invitae), Labcorp
Classification: Uncertain significance for Congenital disorder of glycosylation, type Iaa. Last evaluated: 2023-06-10. Review status: criteria provided, single submitter. Criteria: Invitae Variant Classification Sherloc (09022015). Collection method: clinical testing. Allele origin: germline.
Comment: This variant is not present in population databases (gnomAD no frequency). In summary, the available evidence is currently insufficient to determine the role of this variant in disease. Therefore, it has been classified as a Variant of Uncertain Significance. An algorithm developed to predict the effect of missense changes on protein structure and function (PolyPhen-2) suggests that this variant is likely to be tolerated. This variant has not been reported in the literature in individuals affected with NUS1-related conditions. This sequence change replaces arginine, which is basic and polar, with glycine, which is neutral and non-polar, at codon 282 of the NUS1 protein (p.Arg282Gly).